The following is an entry in ClinVar:

NM_015338.6(ASXL1):c.4090G>C (p.Val1364Leu)

Gene: ASXL1 (ASXL transcriptional regulator 1; plus strand). Cytogenetic location: 20q11.21.
Variant type: single nucleotide variant.
Coding change: c.4090G>C on transcript NM_015338.6 (MANE Select); coding-DNA position 4090, G replaced by C.
Protein change: p.Val1364Leu; replaces valine 1364 with leucine.
Molecular consequence: missense variant.
Genome position (GRCh38, 1-based): chr20:32,436,802, G>C. VCF-style: chr20-32436802-G-C. GRCh37 (hg19) VCF-style: chr20-31024605-G-C.
Other names: c.3907G>C, p.Val1303Leu (NM_001363734.1); short protein forms V1303L, V1364L.
Identifiers: ClinVar variation 3319358 (VCV003319358.2).

ClinVar aggregate classification (germline): Uncertain significance (1 of 4 stars; one submission).

Conditions:
Inborn genetic diseases. Identifiers: MedGen C0950123, MeSH D030342.

gnomAD v4.1: 4 of 1,614,210 alleles (0.00025%); highest among the groups gnomAD compares: East Asian, 0.0045%; no homozygotes.

Submission:

Ambry Genetics
Classification: Uncertain significance for Inborn genetic diseases. Last evaluated: 2025-01-06. Review status: criteria provided, single submitter. Criteria: Ambry Variant Classification Scheme 2023. Collection method: clinical testing. Allele origin: germline.
Comment: The p.V1364L variant (also known as c.4090G>C), located in coding exon 13 of the ASXL1 gene, results from a G to C substitution at nucleotide position 4090. The valine at codon 1364 is replaced by leucine, an amino acid with highly similar properties. This amino acid position is conserved. In addition, this alteration is predicted to be tolerated by in silico analysis. Based on the available evidence, the clinical significance of this variant remains unclear.